The following is an entry in ClinVar:

NM_002528.7(NTHL1):c.29C>A (p.Thr10Asn)

Gene: NTHL1 (nth like DNA glycosylase 1; minus strand). Cytogenetic location: 16p13.3.
Variant type: single nucleotide variant.
Coding change: c.29C>A on transcript NM_002528.7 (MANE Select); coding-DNA position 29, C replaced by A.
Protein change: p.Thr10Asn; replaces threonine 10 with asparagine.
Molecular consequence: missense variant. On other transcripts: 5 prime UTR variant (1).
Genome position (GRCh38, 1-based): chr16:2,047,795, G>T on the plus strand (C>A on the coding strand, the complement: NTHL1 is on the minus strand). VCF-style: chr16-2047795-G-T. GRCh37 (hg19) VCF-style: chr16-2097796-G-T.
Other names: c.29C>A, p.Thr10Asn (NM_001318193.2); c.-150C>A (NM_001318194.2); short protein forms T10N.
Identifiers: ClinVar variation 4726543 (VCV004726543.1).

ClinVar aggregate classification (germline): Uncertain significance (1 of 4 stars; one submission).

Submission:

Labcorp Genetics (formerly Invitae), Labcorp
Classification: Uncertain significance. Last evaluated: 2025-09-03. Review status: criteria provided, single submitter. Criteria: Invitae Variant Classification Sherloc (09022015). Collection method: clinical testing. Allele origin: germline.
Comment: This sequence change replaces threonine, which is neutral and polar, with asparagine, which is neutral and polar, at codon 18 of the NTHL1 protein (p.Thr18Asn). This variant is not present in population databases (gnomAD no frequency). This variant has not been reported in the literature in individuals affected with NTHL1-related conditions. An algorithm developed to predict the effect of missense changes on protein structure and function (PolyPhen-2) suggests that this variant is likely to be tolerated. In summary, the available evidence is currently insufficient to determine the role of this variant in disease. Therefore, it has been classified as a Variant of Uncertain Significance.